The following is an entry in ClinVar:

ClinVar aggregate classification (germline): Pathogenic (1 of 4 stars; one submission).

Conditions:
Anauxetic dysplasia. Identifiers: Orphanet 93347, MedGen C1846796, MONDO:0011773.

Submission:

Labcorp Genetics (formerly Invitae), Labcorp
Classification: Pathogenic for Anauxetic dysplasia. Last evaluated: 2025-04-27. Review status: criteria provided, single submitter. Criteria: Invitae Variant Classification Sherloc (09022015). Collection method: clinical testing. Allele origin: germline.
Comment: This variant occurs in the RMRP gene, which encodes an RNA molecule that does not result in a protein product. This variant is not present in population databases (gnomAD no frequency). While this particular variant has not been reported in the literature, it is located in the promoter region between the TATA box and the transcription initiation site, and other insertions and duplications immediately upstream of the coding sequence have been reported in individuals affected with cartilage-hair hypoplasia-anauxetic dysplasia (CHH-AD) spectrum disorders (PMID: 16244706, 11207361, 12107819). While functional studies for this variant have not been reported, experimental analyses using patient derived cells, as well as in vitro transfection studies, have shown that promoter insertions result in silencing of RMRP transcription and reduced expression of the gene product (PMID: 11207361, 16254002). For these reasons, this variant has been classified as Pathogenic.

Literature cited by the submitters: PubMed 16244706; PubMed 11207361; PubMed 12107819; PubMed 16254002.

NC_000009.12:g.35658017_35658043dup

Gene: RMRP (RNA component of mitochondrial RNA processing endoribonuclease; minus strand). Cytogenetic location: 9p13.3.
Variant type: Duplication.
Genome position: GRCh38 VCF-style: chr9-35658015-A-AACCACGTCCTCAGCTTCACAGAGTAGT. GRCh37 (hg19) VCF-style: chr9-35658012-A-AACCACGTCCTCAGCTTCACAGAGTAGT.
Identifiers: ClinVar variation 4775630 (VCV004775630.1).